The following is an entry in ClinVar:

ClinVar aggregate classification (germline): Likely pathogenic. Review status: criteria provided, multiple submitters, no conflicts (2 of 4 stars). 2 submissions from 2 submitters: Likely pathogenic (2). Last evaluated 2024-11-29.

Conditions:
Roberts-SC phocomelia syndrome (RBS). Also called: Pseudothalidomide syndrome; Appelt-Gerken-Lenz syndrome; ESCO2 Spectrum Disorder; Hypomelia hypotrichosis facial hemangioma syndrome; LONG BONE DEFICIENCIES ASSOCIATED WITH CLEFT LIP-PALATE. Identifiers: Orphanet 3103, MedGen C0392475, MONDO:0100253, OMIM 268300.

Allele frequency attached by ClinVar (database versions not stated): gnomAD exomes below 0.00001.
gnomAD v4.1: 4 of 1,612,646 alleles (0.00025%); highest among the groups gnomAD compares: Non-Finnish European, 0.00034%; no homozygotes.

Submissions (2):

Natera, Inc.
Classification: Likely pathogenic for Roberts syndrome. Last evaluated: 2024-11-29. Review status: criteria provided, single submitter. Criteria: Natera Variant Classification Schema (03/2026). Collection method: clinical testing. Allele origin: germline.
Comment: The c.1013+1G>A variant in ESCO2 is a canonical splice donor site variant predicted to affect pre-mRNA splicing, which may result in an abnormal transcript and altered protein product. This variant is expected to result in nonsense mediated decay, truncation, or a dysfunctional protein product. This variant is rare in the general population with a frequency below the threshold expected for the associated phenotype(s). Given the available evidence, this variant is classified as Likely Pathogenic.

Labcorp Genetics (formerly Invitae), Labcorp
Classification: Likely pathogenic. Last evaluated: 2020-09-24. Review status: criteria provided, single submitter. Criteria: Invitae Variant Classification Sherloc (09022015). Collection method: clinical testing. Allele origin: germline.
Comment: In summary, the currently available evidence indicates that the variant is pathogenic, but additional data are needed to prove that conclusively. Therefore, this variant has been classified as Likely Pathogenic. Donor and acceptor splice site variants typically lead to a loss of protein function (PMID: 16199547), and loss-of-function variants in ESCO2 are known to be pathogenic (PMID: 15821733, 16380922). Algorithms developed to predict the effect of sequence changes on RNA splicing suggest that this variant may disrupt the consensus splice site, but this prediction has not been confirmed by published transcriptional studies. This variant has not been reported in the literature in individuals with ESCO2-related conditions. This variant is not present in population databases (ExAC no frequency). This sequence change affects a donor splice site in intron 5 of the ESCO2 gene. It is expected to disrupt RNA splicing and likely results in an absent or disrupted protein product.

Literature cited by the submitters: PubMed 16199547 (cited by Labcorp Genetics (formerly Invitae), Labcorp); PubMed 15821733 (cited by Labcorp Genetics (formerly Invitae), Labcorp); PubMed 16380922 (cited by Labcorp Genetics (formerly Invitae), Labcorp).

NM_001017420.3(ESCO2):c.1013+1G>A

Gene: ESCO2 (establishment of sister chromatid cohesion N-acetyltransferase 2; plus strand). Cytogenetic location: 8p21.1.
Variant type: single nucleotide variant.
Coding change: c.1013+1G>A on transcript NM_001017420.3 (MANE Select); the canonical splice donor site of the intron after coding-DNA position 1013, G replaced by A.
Molecular consequence: splice donor variant.
Genome position (GRCh38, 1-based): chr8:27,784,058, G>A. VCF-style: chr8-27784058-G-A. GRCh37 (hg19) VCF-style: chr8-27641575-G-A.
Other names: c.1013+1G>A (NM_001017420.2).
Identifiers: ClinVar variation 1067582 (VCV001067582.7), dbSNP rs1225195349, ClinGen allele CA370822277.